The following is an entry in ClinVar:

ClinVar aggregate classification (germline): Uncertain significance. Review status: criteria provided, single submitter (1 of 4 stars). 2 submissions from 2 submitters: Uncertain significance (1). 1 of the submissions does not count toward it. Last evaluated 2022-10-13.

Conditions:
Zellweger spectrum disorders (ZS). Also called: Zellweger Spectrum Disorder; Zellweger Spectrum; Zellweger syndrome; Zellweger Spectrum Disorder (ZSD). Identifiers: Orphanet 912, MedGen C0043459, MONDO:0019609.

Allele frequency attached by ClinVar (database versions not stated): gnomAD exomes below 0.00001; gnomAD 0.00001; TOPMed 0.00001.
gnomAD v4.1: 4 of 1,578,326 alleles (0.00025%); highest among the groups gnomAD compares: African/African-American, 0.0013%; no homozygotes.

Submissions (2):

Labcorp Genetics (formerly Invitae), Labcorp
Classification: Uncertain significance for Zellweger spectrum disorders. Last evaluated: 2022-10-13. Review status: criteria provided, single submitter. Criteria: Invitae Variant Classification Sherloc (09022015). Collection method: clinical testing. Allele origin: germline.
Comment: This sequence change replaces valine, which is neutral and non-polar, with glutamic acid, which is acidic and polar, at codon 1280 of the PEX1 protein (p.Val1280Glu). This variant is present in population databases (rs765142376, gnomAD 0.007%). This variant has not been reported in the literature in individuals affected with PEX1-related conditions. ClinVar contains an entry for this variant (Variation ID: 1062398). Advanced modeling of protein sequence and biophysical properties (such as structural, functional, and spatial information, amino acid conservation, physicochemical variation, residue mobility, and thermodynamic stability) has been performed at Invitae for this missense variant, however the output from this modeling did not meet the statistical confidence thresholds required to predict the impact of this variant on PEX1 protein function. In summary, the available evidence is currently insufficient to determine the role of this variant in disease. Therefore, it has been classified as a Variant of Uncertain Significance.

Natera, Inc.
Classification: Uncertain significance for Zellweger syndrome. Last evaluated: 2018-10-04. Review status: no assertion criteria provided. Collection method: clinical testing. Allele origin: germline. Not counted in ClinVar's aggregate classification.

NM_000466.3(PEX1):c.3839T>A (p.Val1280Glu)

Genes: GATAD1 (GATA zinc finger domain containing 1; plus strand), PEX1 (peroxisomal biogenesis factor 1; minus strand). Cytogenetic location: 7q21.2.
Variant type: single nucleotide variant.
Coding change: c.3839T>A on transcript NM_000466.3 (MANE Select); coding-DNA position 3839, T replaced by A.
Protein change: p.Val1280Glu; replaces valine 1280 with glutamic acid.
Molecular consequence: missense variant.
Genome position (GRCh38, 1-based): chr7:92,487,470, A>T on the plus strand (T>A on the coding strand, the complement: PEX1 is on the minus strand). VCF-style: chr7-92487470-A-T. GRCh37 (hg19) VCF-style: chr7-92116784-A-T.
Other names: c.3215T>A, p.Val1072Glu (NM_001282678.2); c.3668T>A, p.Val1223Glu (NM_001282677.2); short protein forms V1072E, V1223E, V1280E.
Identifiers: ClinVar variation 1062398 (VCV001062398.10), dbSNP rs765142376, ClinGen allele CA161950649.